The following is an entry in ClinVar:

ClinVar aggregate classification (germline): Uncertain significance (1 of 4 stars; one submission).

Conditions:
Cardiovascular phenotype. Identifiers: MedGen CN230736.

Allele frequency attached by ClinVar (database versions not stated): gnomAD exomes below 0.00001; TOPMed below 0.00001; gnomAD 0.00001.
gnomAD v4.1: 3 of 1,613,840 alleles (0.00019%); highest among the groups gnomAD compares: African/African-American, 0.0013%; no homozygotes.

Submission:

Ambry Genetics
Classification: Uncertain significance for Cardiovascular phenotype. Last evaluated: 2025-08-12. Review status: criteria provided, single submitter. Criteria: Ambry Variant Classification Scheme 2023. Collection method: clinical testing. Allele origin: germline.
Comment: The p.S2506N variant (also known as c.7517G>A), located in coding exon 31 of the AKAP9 gene, results from a G to A substitution at nucleotide position 7517. The serine at codon 2506 is replaced by asparagine, an amino acid with highly similar properties. This amino acid position is poorly conserved in available vertebrate species. In addition, this alteration is predicted to be tolerated by in silico analysis. Since supporting evidence is limited at this time, the clinical significance of this alteration remains unclear.

NM_005751.5(AKAP9):c.7517G>A (p.Ser2506Asn)

Gene: AKAP9 (A-kinase anchoring protein 9; plus strand). Cytogenetic location: 7q21.2.
Variant type: single nucleotide variant.
Coding change: c.7517G>A on transcript NM_005751.5 (MANE Select); coding-DNA position 7517, G replaced by A.
Protein change: p.Ser2506Asn; replaces serine 2506 with asparagine.
Molecular consequence: missense variant.
Genome position (GRCh38, 1-based): chr7:92,079,650, G>A. VCF-style: chr7-92079650-G-A. GRCh37 (hg19) VCF-style: chr7-91708964-G-A.
Other names: c.2162G>A, p.Ser721Asn (NM_001379277.1); c.7493G>A, p.Ser2498Asn (NM_147185.3); short protein forms S2498N, S721N, S2506N.
Identifiers: ClinVar variation 1759303 (VCV001759303.4), dbSNP rs1813191901, ClinGen allele CA368135904.